The following is an entry in ClinVar:

NM_177438.3(DICER1):c.2040+6T>A

Gene: DICER1 (dicer 1, ribonuclease III; minus strand). Cytogenetic location: 14q32.13.
Variant type: single nucleotide variant.
Coding change: c.2040+6T>A on transcript NM_177438.3 (MANE Select); 6 bases into the intron after coding-DNA position 2040, T replaced by A.
Molecular consequence: intron variant.
Genome position (GRCh38, 1-based): chr14:95,113,086, A>T on the plus strand (T>A on the coding strand, the complement: DICER1 is on the minus strand). VCF-style: chr14-95113086-A-T. GRCh37 (hg19) VCF-style: chr14-95579423-A-T.
Other names: NR_172720.1:n.2385+6T>A; c.2040+6T>A (NM_001291628.2, NM_030621.4, NM_001395677.1 and 12 more transcripts); c.1635+6T>A (NM_001395690.1, NM_001395687.1, NM_001395689.1 and 3 more transcripts); c.1758+6T>A (NM_001395686.1); c.1473+6T>A (NM_001395691.1); c.357+6T>A (NM_001395697.1).
Identifiers: ClinVar variation 1722520 (VCV001722520.2), dbSNP rs2542951580, ClinGen allele CA2573320260.

ClinVar aggregate classification (germline): Uncertain significance (3 of 4 stars; one submission).

Conditions:
DICER1-related tumor predisposition. Also called: DICER1 syndrome; DICER1-related pleuropulmonary blastoma cancer predisposition syndrome. Identifiers: Orphanet 284343, MedGen C3839822, MONDO:0100216.

Submission:

ClinGen DICER1 and miRNA-Processing Gene Variant Curation Expert Panel, ClinGen
Classification: Uncertain significance for DICER1-related tumor predisposition. Last evaluated: 2024-10-22. Review status: reviewed by expert panel. Criteria: ClinGen DICER1 ACMG Specifications DICER1 V1.3.0. Collection method: curation. Allele origin: germline. Inheritance: Autosomal dominant inheritance.
Comment: The NM_177438.3.1:c.2040+6T>A variant in DICER1 is an intronic variant in intron 12. This variant is absent from gnomAD v4.1.0 (PM2_Supporting). The splice site predictors MaxEntScan and SpliceAI indicate that the variant impacts splicing, evidence that correlates with impact to DICER1 function (PP3). This variant received a total of 1 phenotype point across in 1 family meeting DICER1 VCEP phenotype specificity scoring criteria of 1-1.5 points (PS4_Supporting; personal communication). In summary, this variant meets the criteria to be classified as Uncertain significance for DICER1 syndrome based on the ACMG/AMP criteria applied, as specified by the ClinGen DICER1 VCEP: PM2_supporting, PP3, PS4_supporting. (Bayesian Points: 3; VCEP specifications version 1.1.3; 10/22/2024)